The following is an entry in ClinVar:

NM_000089.4(COL1A2):c.2924A>G (p.His975Arg)

Gene: COL1A2 (collagen type I alpha 2 chain; plus strand). Cytogenetic location: 7q21.3.
Variant type: single nucleotide variant.
Coding change: c.2924A>G on transcript NM_000089.4 (MANE Select); coding-DNA position 2924, A replaced by G.
Protein change: p.His975Arg; replaces histidine 975 with arginine.
Molecular consequence: missense variant.
Genome position (GRCh38, 1-based): chr7:94,425,838, A>G. VCF-style: chr7-94425838-A-G. GRCh37 (hg19) VCF-style: chr7-94055150-A-G.
Other names: short protein forms H975R.
Identifiers: ClinVar variation 3748011 (VCV003748011.2).

ClinVar aggregate classification (germline): Uncertain significance (1 of 4 stars; one submission).

Conditions:
Ehlers-Danlos syndrome, classic type, 1 (EDSCL1). Also called: EHLERS-DANLOS SYNDROME, GRAVIS TYPE; EHLERS-DANLOS SYNDROME, SEVERE CLASSIC TYPE; Ehlers-Danlos syndrome, type 1; Ehlers-Danlos Syndrome, Classic Type, COL5A1-Related; EDS I. Identifiers: MedGen C0268335, MONDO:0019567, OMIM 130000.
Osteogenesis imperfecta type I (OI1). Also called: OI, TYPE I; OSTEOGENESIS IMPERFECTA TARDA; OSTEOGENESIS IMPERFECTA WITH BLUE SCLERAE; Osteogenesis imperfecta type 1; Lobstein's Disease; Lobstein disease. Identifiers: Orphanet 216796, Orphanet 666, MedGen C0023931, MONDO:0008146, OMIM 166200. Disease mechanism: loss of function.

gnomAD v4.1: 8 of 1,611,344 alleles (0.0005%); highest among the groups gnomAD compares: African/African-American, 0.0053%; no homozygotes.

Submission:

Labcorp Genetics (formerly Invitae), Labcorp
Classification: Uncertain significance for Osteogenesis imperfecta type I; Ehlers-Danlos syndrome, classic type, 1. Last evaluated: 2024-05-19. Review status: criteria provided, single submitter. Criteria: Invitae Variant Classification Sherloc (09022015). Collection method: clinical testing. Allele origin: germline.
Comment: This sequence change replaces histidine, which is basic and polar, with arginine, which is basic and polar, at codon 975 of the COL1A2 protein (p.His975Arg). The frequency data for this variant in the population databases is considered unreliable, as metrics indicate poor data quality at this position in the gnomAD database. This variant has not been reported in the literature in individuals affected with COL1A2-related conditions. Advanced modeling of protein sequence and biophysical properties (such as structural, functional, and spatial information, amino acid conservation, physicochemical variation, residue mobility, and thermodynamic stability) performed at Invitae indicates that this missense variant is not expected to disrupt COL1A2 protein function with a negative predictive value of 95%. In summary, the available evidence is currently insufficient to determine the role of this variant in disease. Therefore, it has been classified as a Variant of Uncertain Significance.